The following is an entry in ClinVar:

ClinVar aggregate classification (germline): Likely pathogenic. Review status: reviewed by expert panel (3 of 4 stars). 3 submissions from 3 submitters: Likely pathogenic (1). 2 of the submissions do not count toward it. Last evaluated 2025-09-26.

Conditions:
Maturity-onset diabetes of the young (MODY). Also called: Maturity onset diabetes mellitus in young. Identifiers: Orphanet 552, MedGen C0342276, MONDO:0018911, HP:0004904.
Monogenic diabetes. Identifiers: Orphanet 183625, MedGen C3888631, MONDO:0015967.

Allele frequency attached by ClinVar (database versions not stated): gnomAD exomes below 0.00001.
gnomAD v4.1: 2 of 1,608,106 alleles (0.00012%); highest among the groups gnomAD compares: Non-Finnish European, 0.00017%; no homozygotes.

Submissions (3):

ClinGen Monogenic Diabetes Variant Curation Expert Panel
Classification: Likely pathogenic for Monogenic diabetes. Last evaluated: 2025-09-26. Review status: reviewed by expert panel. Criteria: ClinGen Diabetes ACMG Specifications HNF1A V3.0.0. Collection method: curation. Allele origin: germline. Inheritance: Autosomal dominant inheritance.
Comment: The c.1501+5G>C variant in the HNF1 homeobox A gene, HNF1A, is predicted to impact splicing in intron 7 of NM_000545.8. This variant has a gnomAD 4.1.0 Grpmax Filtering allele frequency of 2.80e-7, which is below the ClinGen MDEP threshold of MDEP threshold of 0.000003 (PM2_Supporting). The computational splicing predictor SpliceAI gives a score of 0.64 for donor loss, predicting that the variant disrupts the donor site of intron 7 of HNF1A (PP3). Furthermore, minigene-splicing assay demonstrates that this variant results in abnormal splicing and the in-frame deletion of exon 7 and retention of 42 intronic nucleotides (PS3; Bouvet et al., 2023). This variant was identified in an individual(s) with diabetes; however, the calculated MODY probability is <50%, and PP4 cannot be applied (internal lab contributors). In summary, c.1501+5G>C meets the criteria to be classified as likely pathogenic for monogenic diabetes. ACMG/AMP criteria applied, as specified by the ClinGen MDEP (specification version 3.0.0, approved 6/30/2025): PS3, PM2_Supporting, PP3.

GeneDx
Classification: Uncertain significance. Last evaluated: 2024-04-19. Review status: criteria provided, single submitter. Criteria: GeneDx Variant Classification Process June 2021. Collection method: clinical testing. Allele origin: germline. Affected: yes. Not counted in ClinVar's aggregate classification.
Comment: Observed in an family with maturity-onset diabetes of the young in the published literature without additional clinical or segregation information (PMID: 23348805); Not observed at significant frequency in large population cohorts (gnomAD); Intronic +5 splice site variant in a gene for which loss of function is a known mechanism of disease, and both splice predictors and evolutionary conservation support a deleterious effect; RNA studies demonstrate a damaging effect of exon skipping and intronic retention (42 bp) (Bouvet2023[Article]) Delphine Bouvet,Amlie Blondel,Jean-Madeleine de Sainte Agathe,Gwendoline Leroy,Ccile Saint-Martin,and Christine Bellann-Chantelot. (2023) Human Mutation. 2023 DOI 10.1155/2023/6661013; This variant is associated with the following publications: (PMID: 23348805, Bouvet2023[Article])

Dept of Medical Genetics, AP-HP Sorbonne University, Pitié-Salpêtrière hospital
Classification: Likely pathogenic for MODY. Last evaluated: 2022-11-01. Review status: criteria provided, single submitter. Criteria: ACMG Guidelines, 2015. Collection method: clinical testing. Allele origin: germline. Affected: yes. Not counted in ClinVar's aggregate classification.
Comment: minigene showed effect on RNA splicing: in-frame skipping of exon 7 (r.1310_1501del, p.Gly437_His500del) as main transcript; and retention of the first 42 bp of intron 7 (r.1501_1502ins42, p.His500_Ala501ins(14)). PS3 PM2

Literature cited by the submitters: PubMed 23348805 (cited by Dept of Medical Genetics, AP-HP Sorbonne University, Pitié-Salpêtrière hospital).

NM_000545.8(HNF1A):c.1501+5G>C

Gene: HNF1A (HNF1 homeobox A; plus strand). Cytogenetic location: 12q24.31.
Variant type: single nucleotide variant.
Coding change: c.1501+5G>C on transcript NM_000545.8 (MANE Select); 5 bases into the intron after coding-DNA position 1501, G replaced by C.
Molecular consequence: intron variant.
Genome position (GRCh38, 1-based): chr12:120,997,670, G>C. VCF-style: chr12-120997670-G-C. GRCh37 (hg19) VCF-style: chr12-121435473-G-C.
Other names: NM_001306179.2:c.1501+5G>C; c.1501+5G>C (NM_000545.6, NM_001306179.2).
Identifiers: ClinVar variation 1687076 (VCV001687076.7), dbSNP rs1399164820, ClinGen allele CA386970422.